The following is an entry in ClinVar:

ClinVar aggregate classification (germline): Conflicting classifications of pathogenicity. Review status: criteria provided, conflicting classifications (1 of 4 stars). 3 submissions from 3 submitters: Uncertain significance (2); Likely benign (1). Last evaluated 2026-03-27.

Conditions:
Cardiovascular phenotype. Identifiers: MedGen CN230736.

Allele frequency attached by ClinVar (database versions not stated): gnomAD 0.00001; TOPMed 0.00001.
gnomAD v4.1: 5 of 1,613,410 alleles (0.00031%); highest among the groups gnomAD compares: Non-Finnish European, 0.00042%; no homozygotes.

Submissions (3):

Molecular Diagnostic Laboratory for Inherited Cardiovascular Disease, Montreal Heart Institute
Classification: Likely benign. Last evaluated: 2026-03-27. Review status: criteria provided, single submitter. Criteria: ACMG Guidelines, 2015. Collection method: clinical testing. Allele origin: germline. Affected: no.
Comment: BP1

Athena Diagnostics
Classification: Uncertain significance. Last evaluated: 2020-02-20. Review status: criteria provided, single submitter. Criteria: Athena Diagnostics Criteria. Collection method: clinical testing. Allele origin: unknown.

Ambry Genetics
Classification: Uncertain significance for Cardiovascular phenotype. Last evaluated: 2019-08-20. Review status: criteria provided, single submitter. Criteria: Ambry Variant Classification Scheme 2023. Collection method: clinical testing. Allele origin: germline.
Comment: The p.E10661K variant (also known as c.31981G>A), located in coding exon 127 of the TTN gene, results from a G to A substitution at nucleotide position 31981. The glutamic acid at codon 10661 is replaced by lysine, an amino acid with similar properties. This amino acid position is highly conserved in available vertebrate species. In addition, this alteration is predicted to be tolerated by in silico analysis. Since supporting evidence is limited at this time, the clinical significance of this alteration remains unclear.

NM_001267550.2(TTN):c.59176G>A (p.Glu19726Lys)

Genes: TTN (titin; minus strand), TTN-AS1 (TTN antisense RNA 1; plus strand). Cytogenetic location: 2q31.2.
Variant type: single nucleotide variant.
Coding change: c.59176G>A on transcript NM_001267550.2 (MANE Select); coding-DNA position 59176, G replaced by A.
Protein change: p.Glu19726Lys; replaces glutamic acid 19726 with lysine.
Molecular consequence: missense variant.
Genome position (GRCh38, 1-based): chr2:178,592,943, C>T on the plus strand (G>A on the coding strand, the complement: TTN is on the minus strand). VCF-style: chr2-178592943-C-T. GRCh37 (hg19) VCF-style: chr2-179457670-C-T.
Other names: c.54253G>A, p.Glu18085Lys (NM_001256850.1); c.31981G>A, p.Glu10661Lys (NM_003319.4); c.51472G>A, p.Glu17158Lys (NM_133378.4); c.32356G>A, p.Glu10786Lys (NM_133432.3); c.32557G>A, p.Glu10853Lys (NM_133437.4); short protein forms E10661K, E10786K, E10853K, E17158K, E18085K, E19726K.
Identifiers: ClinVar variation 994860 (VCV000994860.4), dbSNP rs1356102019, ClinGen allele CA349495459.
Genomic context (GRCh38, chr2:178,592,943, plus strand): 5'-CGGTGACTTTATATTTAGTTTCAGGACATGACTCAGGGGTGTGATTGGCTCTTCTCCACT[C>T]TTCATCTCCAACTTTCTGGTACTCAACAATATAACCCAGAATCTTGCTCCCACCATCATG-3'
Protein context (NP_001254479.2, residues 19716-19736): IVEYQKVGDE[Glu19726Lys]WRRANHTPES